The following is an entry in ClinVar:

NM_016203.4(PRKAG2):c.186G>T (p.Lys62Asn)

Gene: PRKAG2 (protein kinase AMP-activated non-catalytic subunit gamma 2; minus strand). Cytogenetic location: 7q36.1.
Variant type: single nucleotide variant.
Coding change: c.186G>T on transcript NM_016203.4 (MANE Select); coding-DNA position 186, G replaced by T.
Protein change: p.Lys62Asn; replaces lysine 62 with asparagine.
Molecular consequence: missense variant.
Genome position (GRCh38, 1-based): chr7:151,786,470, C>A on the plus strand (G>T on the coding strand, the complement: PRKAG2 is on the minus strand). VCF-style: chr7-151786470-C-A. GRCh37 (hg19) VCF-style: chr7-151483556-C-A.
Other names: c.54G>T, p.Lys18Asn (NM_001040633.2); short protein forms K62N, K18N.
Identifiers: ClinVar variation 45707 (VCV000045707.13), dbSNP rs369687307, ClinGen allele CA014016.

ClinVar aggregate classification (germline): Uncertain significance. Review status: criteria provided, multiple submitters, no conflicts (2 of 4 stars). 5 submissions from 5 submitters: Uncertain significance (5). Last evaluated 2025-07-27.

Conditions:
Cardiovascular phenotype. Identifiers: MedGen CN230736.
Cardiomyopathy (CMYO). Also called: Cardiomyopathies. Identifiers: Orphanet 167848, MedGen C0878544, MONDO:0004994, HP:0001638. Inheritance: Various modes of inheritance.
Lethal congenital glycogen storage disease of heart. Also called: GLYCOGEN STORAGE DISEASE OF HEART; PHOSPHORYLASE KINASE DEFICIENCY OF HEART. Identifiers: Orphanet 439854, MedGen C1849813, MONDO:0009867, OMIM 261740.
Hypertrophic cardiomyopathy. Also called: HYPERTROPHIC MYOCARDIOPATHY. Identifiers: Orphanet 217569, MedGen C0007194, MeSH D002312, MONDO:0005045, HP:0001639.

Allele frequency attached by ClinVar (database versions not stated): gnomAD exomes 0.00001; TOPMed 0.00002; ESP Exome Variant Server 0.00008.
gnomAD v4.1: 15 of 1,610,806 alleles (0.00093%); highest among the groups gnomAD compares: Non-Finnish European, 0.0012%; no homozygotes.

Submissions (5):

Labcorp Genetics (formerly Invitae), Labcorp
Classification: Uncertain significance for Lethal congenital glycogen storage disease of heart. Last evaluated: 2025-07-27. Review status: criteria provided, single submitter. Criteria: Invitae Variant Classification Sherloc (09022015). Collection method: clinical testing. Allele origin: germline.
Comment: This sequence change replaces lysine, which is basic and polar, with asparagine, which is neutral and polar, at codon 62 of the PRKAG2 protein (p.Lys62Asn). The frequency data for this variant in the population databases is considered unreliable, as metrics indicate poor data quality at this position in the gnomAD database. This missense change has been observed in individual(s) with hypertrophic cardiomyopathy (PMID: 27532257). ClinVar contains an entry for this variant (Variation ID: 45707). Invitae Evidence Modeling of protein sequence and biophysical properties (such as structural, functional, and spatial information, amino acid conservation, physicochemical variation, residue mobility, and thermodynamic stability) indicates that this missense variant is not expected to disrupt PRKAG2 protein function with a negative predictive value of 95%. In summary, the available evidence is currently insufficient to determine the role of this variant in disease. Therefore, it has been classified as a Variant of Uncertain Significance.

Color Diagnostics, LLC DBA Color Health
Classification: Uncertain significance for Cardiomyopathy. Last evaluated: 2024-12-17. Review status: criteria provided, single submitter. Criteria: ACMG Guidelines, 2015. Collection method: clinical testing. Allele origin: germline.
Comment: This missense variant replaces lysine with asparagine at codon 62 of the PRKAG2 protein. Computational prediction suggests that this variant may not impact protein structure and function. To our knowledge, functional studies have not been reported for this variant. This variant has been reported in an individual affected with hypertrophic cardiomyopathy (PMID: 27532257). This variant has been identified in 2/245592 chromosomes in the general population by the Genome Aggregation Database (gnomAD). The available evidence is insufficient to determine the role of this variant in disease conclusively. Therefore, this variant is classified as a Variant of Uncertain Significance.

All of Us Research Program, National Institutes of Health
Classification: Uncertain significance for Hypertrophic cardiomyopathy. Last evaluated: 2024-03-05. Review status: criteria provided, single submitter. Criteria: ACMG Guidelines, 2015. Collection method: clinical testing. Allele origin: germline. Inheritance: Autosomal dominant inheritance. Observed: 4 variant alleles, 4 heterozygotes.
Comment: This missense variant replaces lysine with asparagine at codon 62 of the PRKAG2 protein. Computational prediction suggests that this variant may not impact protein structure and function (internally defined REVEL score threshold <= 0.5, PMID: 27666373). However, this variant causes a G>T nucleotide substitution at the last nucleotide of exon 2 of the PRKAG2 gene, and splice site prediction tools suggest that this variant may impact RNA splicing. To our knowledge, functional studies have not been reported for this variant. This variant has been reported in an individual affected with hypertrophic cardiomyopathy (PMID: 27532257). This variant has been identified in 2/245592 chromosomes in the general population by the Genome Aggregation Database (gnomAD). The available evidence is insufficient to determine the role of this variant in disease conclusively. Therefore, this variant is classified as a Variant of Uncertain Significance.

This study involves interpretation of variants in research participants for the purpose of population health screening. Participant phenotype was not available at the time of variant classification. Additional details can be found in publication PMID: 35346344, PMCID: PMC8962531

Ambry Genetics
Classification: Uncertain significance for Cardiovascular phenotype. Last evaluated: 2020-09-21. Review status: criteria provided, single submitter. Criteria: Ambry Variant Classification Scheme 2023. Collection method: clinical testing. Allele origin: germline.

Laboratory for Molecular Medicine, Mass General Brigham Personalized Medicine
Classification: Uncertain significance. Last evaluated: 2010-12-02. Review status: criteria provided, single submitter. Criteria: LMM Criteria. Collection method: clinical testing. Allele origin: germline. Observed: 1 variant allele.
Comment: The Lys62Asn variant has not been reported in the literature. Lysine (Lys) at p osition 62 is conserved in evolutionary distant species, suggesting that a chang e would not be tolerated. In addition, this variant has not been identified in over 1000 Caucasian probands (2000 chromosomes) tested by our laboratory. This l ow frequency increases the likelihood that the variant is pathogenic. However, the Lys62Asn variant is located outside the CBS domain region where all pathogen ic PRKAG2 variants have been identified to date (Oliveira 2003), raising the pos sibility that it is not disease causing in isolation. In summary, additional stu dies are necessary to determine the clinical significance of this variant.

Literature cited by the submitters: PubMed 27532257 (cited by 3 submitters); PubMed 14519435 (cited by Laboratory for Molecular Medicine, Mass General Brigham Personalized Medicine).